The following is an entry in ClinVar:

NM_002890.3(RASA1):c.3032C>T (p.Thr1011Met)

Genes: CCNH (cyclin H; minus strand), RASA1 (RAS p21 protein activator 1; plus strand). Cytogenetic location: 5q14.3.
Variant type: single nucleotide variant.
Coding change: c.3032C>T on transcript NM_002890.3 (MANE Select); coding-DNA position 3032, C replaced by T.
Protein change: p.Thr1011Met; replaces threonine 1011 with methionine.
Molecular consequence: missense variant. On other transcripts: intron variant (1).
Genome position (GRCh38, 1-based): chr5:87,389,499, C>T. VCF-style: chr5-87389499-C-T. GRCh37 (hg19) VCF-style: chr5-86685316-C-T.
Other names: c.2501C>T, p.Thr834Met (NM_022650.3); c.933+5545G>A (NM_001364075.2); short protein forms T1011M, T834M.
Identifiers: ClinVar variation 1434448 (VCV001434448.6), dbSNP rs770325546, ClinGen allele CA3336194.
Genomic context (GRCh38, chr5:87,389,499, plus strand): 5'-TGTCCCGTGATTTAGCAGCATTGCATGAGATTTGCGTGGCTCATTCAGATGAACTTCGAA[C>T]GCTCAGTAATGAGCGTGGTGCACAGCAGGTAGGCTTTCGCCAGCCTTCATTAACAATGAT-3'
Protein context (NP_002881.1, residues 1001-1021): ICVAHSDELR[Thr1011Met]LSNERGAQQH

ClinVar aggregate classification (germline): Uncertain significance (1 of 4 stars; one submission).

Conditions:
Capillary malformation-arteriovenous malformation syndrome. Also called: Capillary malformation-arteriovenous malformation. Identifiers: Orphanet 137667, MedGen C1842180, MONDO:0012016.

Allele frequency attached by ClinVar (database versions not stated): TOPMed below 0.00001; ExAC 0.00002; gnomAD 0.00001; gnomAD exomes 0.00001.
gnomAD v4.1: 8 of 1,613,984 alleles (0.0005%); highest among the groups gnomAD compares: East Asian, 0.0022%; no homozygotes.

Submission:

Labcorp Genetics (formerly Invitae), Labcorp
Classification: Uncertain significance for Capillary malformation-arteriovenous malformation syndrome. Last evaluated: 2021-08-03. Review status: criteria provided, single submitter. Criteria: Invitae Variant Classification Sherloc (09022015). Collection method: clinical testing. Allele origin: germline.
Comment: This variant is present in population databases (rs770325546, ExAC 0.003%). In summary, the available evidence is currently insufficient to determine the role of this variant in disease. Therefore, it has been classified as a Variant of Uncertain Significance. Algorithms developed to predict the effect of missense changes on protein structure and function are either unavailable or do not agree on the potential impact of this missense change (SIFT: "Tolerated"; PolyPhen-2: "Probably Damaging"; Align-GVGD: "Class C0"). This variant has not been reported in the literature in individuals affected with RASA1-related conditions. This sequence change replaces threonine with methionine at codon 1011 of the RASA1 protein (p.Thr1011Met). The threonine residue is highly conserved and there is a moderate physicochemical difference between threonine and methionine.